The following is an entry in ClinVar:

ClinVar aggregate classification (germline): Uncertain significance (1 of 4 stars; one submission).

Conditions:
LAMA2-related muscular dystrophy (LAMA2-RD). Also called: Laminin alpha 2-related dystrophy. Identifiers: MedGen C5679788, MONDO:0100228.

Allele frequency attached by ClinVar (database versions not stated): gnomAD exomes below 0.00001 and 0.00001; ExAC 0.00001.
gnomAD v4.1: 2 of 1,613,896 alleles (0.00012%); highest among the groups gnomAD compares: South Asian, 0.0011%; no homozygotes.

Submission:

Labcorp Genetics (formerly Invitae), Labcorp
Classification: Uncertain significance for LAMA2-related muscular dystrophy. Last evaluated: 2026-02-02. Review status: criteria provided, single submitter. Criteria: Invitae Variant Classification Sherloc (09022015). Collection method: clinical testing. Allele origin: germline.
Comment: This sequence change replaces alanine, which is neutral and non-polar, with serine, which is neutral and polar, at codon 2603 of the LAMA2 protein (p.Ala2603Ser). This variant is present in population databases (rs763419591, gnomAD 0.003%). This variant has not been reported in the literature in individuals affected with LAMA2-related conditions. ClinVar contains an entry for this variant (Variation ID: 1472948). Invitae Evidence Modeling of protein sequence and biophysical properties (such as structural, functional, and spatial information, amino acid conservation, physicochemical variation, residue mobility, and thermodynamic stability) indicates that this missense variant is not expected to disrupt LAMA2 protein function with a negative predictive value of 95%. In summary, the available evidence is currently insufficient to determine the role of this variant in disease. Therefore, it has been classified as a Variant of Uncertain Significance.

NM_000426.4(LAMA2):c.7807G>T (p.Ala2603Ser)

Gene: LAMA2 (laminin subunit alpha 2; plus strand). Cytogenetic location: 6q22.33.
Variant type: single nucleotide variant.
Coding change: c.7807G>T on transcript NM_000426.4 (MANE Select); coding-DNA position 7807, G replaced by T.
Protein change: p.Ala2603Ser; replaces alanine 2603 with serine.
Molecular consequence: missense variant.
Genome position (GRCh38, 1-based): chr6:129,486,531, G>T. VCF-style: chr6-129486531-G-T. GRCh37 (hg19) VCF-style: chr6-129807676-G-T.
Other names: c.7795G>T, p.Ala2599Ser (NM_001079823.2); short protein forms A2603S, A2599S.
Identifiers: ClinVar variation 1472948 (VCV001472948.8), dbSNP rs763419591, ClinGen allele CA3994668.